The following is an entry in ClinVar:

NM_003072.5(SMARCA4):c.1261G>C (p.Val421Leu)

Gene: SMARCA4 (SWI/SNF related BAF chromatin remodeling complex subunit ATPase 4; plus strand). Cytogenetic location: 19p13.2.
Variant type: single nucleotide variant.
Coding change: c.1261G>C on transcript NM_003072.5 (MANE Select); coding-DNA position 1261, G replaced by C.
Protein change: p.Val421Leu; replaces valine 421 with leucine.
Molecular consequence: missense variant. On other transcripts: non-coding transcript variant (1).
Genome position (GRCh38, 1-based): chr19:10,991,165, G>C. VCF-style: chr19-10991165-G-C. GRCh37 (hg19) VCF-style: chr19-11101841-G-C.
Other names: c.1261G>C, p.Val421Leu (NM_001128844.3, NM_001128845.2, NM_001128846.2 and 6 more transcripts); short protein forms V421L.
Identifiers: ClinVar variation 1763340 (VCV001763340.7), dbSNP rs2145878170, ClinGen allele CA404060521.

ClinVar aggregate classification (germline): Uncertain significance. Review status: criteria provided, multiple submitters, no conflicts (2 of 4 stars). 2 submissions from 2 submitters: Uncertain significance (2). Last evaluated 2022-01-18.

Conditions:
Hereditary cancer-predisposing syndrome. Also called: Neoplastic Syndromes, Hereditary; Tumor predisposition; Hereditary Cancer Syndrome; Hereditary neoplastic syndrome. Identifiers: Orphanet 140162, MedGen C0027672, MeSH D009386, MONDO:0015356.
Rhabdoid tumor predisposition syndrome 2 (RTPS2). Identifiers: Orphanet 231108, Orphanet 69077, MedGen C2750074, MONDO:0013224, OMIM 613325.

Submissions (2):

Labcorp Genetics (formerly Invitae), Labcorp
Classification: Uncertain significance for Rhabdoid tumor predisposition syndrome 2. Last evaluated: 2022-01-18. Review status: criteria provided, single submitter. Criteria: Invitae Variant Classification Sherloc (09022015). Collection method: clinical testing. Allele origin: germline.
Comment: This sequence change replaces valine, which is neutral and non-polar, with leucine, which is neutral and non-polar, at codon 421 of the SMARCA4 protein (p.Val421Leu). In summary, the available evidence is currently insufficient to determine the role of this variant in disease. Therefore, it has been classified as a Variant of Uncertain Significance. Algorithms developed to predict the effect of missense changes on protein structure and function are either unavailable or do not agree on the potential impact of this missense change (SIFT: "Deleterious"; PolyPhen-2: "Benign"; Align-GVGD: "Class C0"). This variant has not been reported in the literature in individuals affected with SMARCA4-related conditions. This variant is not present in population databases (gnomAD no frequency).

Ambry Genetics
Classification: Uncertain significance for Hereditary cancer-predisposing syndrome. Last evaluated: 2020-02-12. Review status: criteria provided, single submitter. Criteria: Ambry Variant Classification Scheme 2023. Collection method: clinical testing. Allele origin: germline.
Comment: The p.V421L variant (also known as c.1261G>C), located in coding exon 7 of the SMARCA4 gene, results from a G to C substitution at nucleotide position 1261. The valine at codon 421 is replaced by leucine, an amino acid with highly similar properties. This amino acid position is highly conserved in available vertebrate species. In addition, the in silico prediction for this alteration is inconclusive. Since supporting evidence is limited at this time, the clinical significance of this alteration remains unclear.